The following is an entry in ClinVar:

ClinVar aggregate classification (germline): Uncertain significance (1 of 4 stars; one submission).

Conditions:
Inborn genetic diseases. Identifiers: MedGen C0950123, MeSH D030342.

Submission:

Ambry Genetics
Classification: Uncertain significance for Inborn genetic diseases. Last evaluated: 2026-07-02. Review status: criteria provided, single submitter. Criteria: Ambry Variant Classification Scheme 2023. Collection method: clinical testing. Allele origin: germline.
Comment: The p.F608V variant (also known as c.1822T>G), located in coding exon 5 of the ATP7B gene, results from a T to G substitution at nucleotide position 1822. The phenylalanine at codon 608 is replaced by valine, an amino acid with highly similar properties. This amino acid position is conserved. In addition, this alteration is predicted to be deleterious by in silico analysis. Based on the available evidence, the clinical significance of this variant remains unclear.

NM_000053.4(ATP7B):c.1822T>G (p.Phe608Val)

Gene: ATP7B (ATPase copper transporting beta; minus strand). Cytogenetic location: 13q14.3.
Variant type: single nucleotide variant.
Coding change: c.1822T>G on transcript NM_000053.4 (MANE Select); coding-DNA position 1822, T replaced by G.
Protein change: p.Phe608Val; replaces phenylalanine 608 with valine.
Molecular consequence: missense variant. On other transcripts: intron variant (3).
Genome position (GRCh38, 1-based): chr13:51,964,919, A>C on the plus strand (T>G on the coding strand, the complement: ATP7B is on the minus strand). VCF-style: chr13-51964919-A-C. GRCh37 (hg19) VCF-style: chr13-52539055-A-C.
Other names: c.1822T>G, p.Phe608Val (NM_001330579.2, NM_001406511.1, NM_001406512.1 and 24 more transcripts); c.1789T>G, p.Phe597Val (NM_001406514.1, NM_001406524.1); c.1726T>G, p.Phe576Val (NM_001406517.1, NM_001406518.1, NM_001406530.1 and 3 more transcripts); c.1489T>G, p.Phe497Val (NM_001243182.2); c.1393T>G, p.Phe465Val (NM_001406539.1); c.1285+9016T>G (NM_001406548.1); c.1707+3525T>G (NM_001406547.1, NM_001406545.1); short protein forms F576V, F497V, F608V, F597V, F465V.
Identifiers: ClinVar variation 5032383 (VCV005032383.1).